The following is an entry in ClinVar:

ClinVar aggregate classification (germline): Pathogenic (1 of 4 stars; one submission).

Submission:

Labcorp Genetics (formerly Invitae), Labcorp
Classification: Pathogenic. Last evaluated: 2023-03-13. Review status: criteria provided, single submitter. Criteria: Invitae Variant Classification Sherloc (09022015). Collection method: clinical testing. Allele origin: germline.
Comment: This sequence change creates a premature translational stop signal (p.Tyr809*) in the TG gene. It is expected to result in an absent or disrupted protein product. Loss-of-function variants in TG are known to be pathogenic (PMID: 19837936, 23164529). This variant is not present in population databases (gnomAD no frequency). This variant has not been reported in the literature in individuals affected with TG-related conditions. For these reasons, this variant has been classified as Pathogenic.

Literature cited by the submitters: PubMed 19837936; PubMed 23164529.

NM_003235.5(TG):c.2427_2428del (p.Tyr809_Arg810delinsTer)

Gene: TG (thyroglobulin; plus strand). Cytogenetic location: 8q24.22.
Variant type: Deletion.
Coding change: c.2427_2428del on transcript NM_003235.5 (MANE Select); coding-DNA positions 2427 to 2428, 2 bases deleted (CA; older notation c.2427_2428delCA).
Protein change: p.Tyr809_Arg810delinsTer.
Molecular consequence: nonsense.
Genome position (GRCh38, 1-based): chr8:132,888,234-132,888,235, CA deleted; deleting any 2 consecutive bases within chr8:132,888,233-132,888,235 gives the same sequence; the c. name uses the placement nearest the transcript's 3' end. VCF-style (leftmost placement, unchanged base first): chr8-132888232-TAC-T. GRCh37 (hg19) VCF-style: chr8-133900477-TAC-T.
Identifiers: ClinVar variation 2843083 (VCV002843083.3), dbSNP rs2489851830, ClinGen allele CA2739268992.